The following is an entry in ClinVar:

ClinVar aggregate classification (germline): Uncertain significance (1 of 4 stars; one submission).

Allele frequency attached by ClinVar (database versions not stated): gnomAD exomes below 0.00001; TOPMed 0.00001; ExAC 0.00002; gnomAD 0.00002; 1000 Genomes Project 30x 0.00031; 1000 Genomes Project 0.00040.
gnomAD v4.1: 6 of 1,610,512 alleles (0.00037%); highest among the groups gnomAD compares: African/African-American, 0.008%; no homozygotes.

Submission:

Labcorp Genetics (formerly Invitae), Labcorp
Classification: Uncertain significance. Last evaluated: 2024-10-26. Review status: criteria provided, single submitter. Criteria: Invitae Variant Classification Sherloc (09022015). Collection method: clinical testing. Allele origin: germline.
Comment: This sequence change replaces glutamic acid, which is acidic and polar, with lysine, which is basic and polar, at codon 349 of the LRRC56 protein (p.Glu349Lys). This variant is present in population databases (rs192064604, gnomAD 0.01%). This variant has not been reported in the literature in individuals affected with LRRC56-related conditions. ClinVar contains an entry for this variant (Variation ID: 2159935). Invitae Evidence Modeling of protein sequence and biophysical properties (such as structural, functional, and spatial information, amino acid conservation, physicochemical variation, residue mobility, and thermodynamic stability) indicates that this missense variant is not expected to disrupt LRRC56 protein function with a negative predictive value of 80%. In summary, the available evidence is currently insufficient to determine the role of this variant in disease. Therefore, it has been classified as a Variant of Uncertain Significance.

NM_198075.4(LRRC56):c.1045G>A (p.Glu349Lys)

Gene: LRRC56 (leucine rich repeat containing 56; plus strand). Cytogenetic location: 11p15.5.
Variant type: single nucleotide variant.
Coding change: c.1045G>A on transcript NM_198075.4 (MANE Select); coding-DNA position 1045, G replaced by A.
Protein change: p.Glu349Lys; replaces glutamic acid 349 with lysine.
Molecular consequence: missense variant.
Genome position (GRCh38, 1-based): chr11:552,096, G>A. VCF-style: chr11-552096-G-A. GRCh37 (hg19) VCF-style: chr11-552096-G-A.
Other names: short protein forms E349K.
Identifiers: ClinVar variation 2159935 (VCV002159935.2), dbSNP rs192064604, ClinGen allele CA5779935.